The following is an entry in ClinVar:

NM_000943.5(PPIC):c.148del (p.Asp50fs)

Genes: PPIC (peptidylprolyl isomerase C; minus strand), LOC126807494 (CDK7 strongly-dependent group 2 enhancer GRCh37_chr5:122364057-122365256; plus strand). Cytogenetic location: 5q23.2.
Variant type: Deletion.
Coding change: c.148del on transcript NM_000943.5 (MANE Select); coding-DNA position 148, one base deleted (G; older notation c.148delG).
Protein change: p.Asp50fs; shifts the reading frame from aspartic acid 50.
Molecular consequence: frameshift variant.
Genome position (GRCh38, 1-based): chr5:123,029,388, C deleted on the plus strand (G on the coding strand, the reverse complement: PPIC is on the minus strand). VCF-style (leftmost placement, unchanged base first): chr5-123029387-TC-T. GRCh37 (hg19) VCF-style: chr5-122365082-TC-T.
Other names: short protein forms D50fs.
Identifiers: ClinVar variation 2655658 (VCV002655658.24), dbSNP rs45449493, ClinGen allele CA3386206.

ClinVar aggregate classification (germline): Likely benign (1 of 4 stars; one submission).

Allele frequency attached by ClinVar (database versions not stated): 1000 Genomes Project 0.00240; gnomAD 0.00486; ExAC 0.00524; TOPMed 0.00527; ESP Exome Variant Server 0.00711; gnomAD exomes 0.00719.

Submission:

CeGaT Center for Human Genetics Tuebingen
Classification: Likely benign. Last evaluated: 2023-03-01. Review status: criteria provided, single submitter. Criteria: CeGaT Center For Human Genetics Tuebingen Variant Classification Criteria Version 2. Collection method: clinical testing. Allele origin: germline. Affected: yes. Observed: 1 variant allele.
Comment: PPIC: BS2